The following is an entry in ClinVar:

ClinVar aggregate classification (germline): Uncertain significance (1 of 4 stars; one submission).

Conditions:
VPS33B-related disorder. Also called: VPS33B-related condition.

Submission:

PreventionGenetics, part of Exact Sciences
Classification: Uncertain significance for VPS33B-related condition. Last evaluated: 2025-09-10. Review status: criteria provided, single submitter. Criteria: ACMG Guidelines, 2015. Collection method: clinical testing. Allele origin: germline.
Comment: The VPS33B c.547C>T variant is predicted to result in the amino acid substitution p.Leu183Phe. To our knowledge, this variant has not been reported in the literature or in a large population database (gnomAD), indicating this variant is rare. At this time, the clinical significance of this variant is uncertain due to the absence of conclusive functional and genetic evidence.

NM_018668.5(VPS33B):c.547C>T (p.Leu183Phe)

Gene: VPS33B (VPS33B late endosome and lysosome associated; minus strand). Cytogenetic location: 15q26.1.
Variant type: single nucleotide variant.
Coding change: c.547C>T on transcript NM_018668.5 (MANE Select); coding-DNA position 547, C replaced by T.
Protein change: p.Leu183Phe; replaces leucine 183 with phenylalanine.
Molecular consequence: missense variant.
Genome position (GRCh38, 1-based): chr15:91,007,525, G>A on the plus strand (C>T on the coding strand, the complement: VPS33B is on the minus strand). VCF-style: chr15-91007525-G-A. GRCh37 (hg19) VCF-style: chr15-91550755-G-A.
Other names: c.466C>T, p.Leu156Phe (NM_001289148.1); c.274C>T, p.Leu92Phe (NM_001289149.1); short protein forms L92F, L183F, L156F.
Identifiers: ClinVar variation 4993643 (VCV004993643.1).